The following is an entry in ClinVar:

ClinVar aggregate classification (germline): Uncertain significance (1 of 4 stars; one submission).

Conditions:
Costello syndrome (CSTLO). Also called: HRAS-Related Costello Syndrome; FACIOCUTANEOSKELETAL SYNDROME; FCS SYNDROME. Identifiers: Orphanet 3071, MedGen C0587248, MONDO:0009026, OMIM 218040.

Submission:

Labcorp Genetics (formerly Invitae), Labcorp
Classification: Uncertain significance for Costello syndrome. Last evaluated: 2023-12-19. Review status: criteria provided, single submitter. Criteria: Invitae Variant Classification Sherloc (09022015). Collection method: clinical testing. Allele origin: germline.
Comment: A gross deletion of the genomic region encompassing the full coding sequence of the HRAS gene has been identified. The current clinical and genetic evidence is not sufficient to establish whether loss-of-function variants in HRAS cause disease. The boundaries of this event are unknown as they extend beyond the assayed region for this gene and therefore may encompass additional genes. This variant has not been reported in the literature in individuals affected with HRAS-related conditions. Experimental studies and prediction algorithms are not available or were not evaluated, and the functional significance of this variant is currently unknown. In summary, the available evidence is currently insufficient to determine the role of this variant in disease. Therefore, it has been classified as a Variant of Uncertain Significance.

NC_000011.10:g.(?_532636)_(534322_?)del

Gene: HRAS (HRas proto-oncogene, GTPase; minus strand). Cytogenetic location: 11p15.5.
Variant type: Deletion.
Identifiers: ClinVar variation 831687 (VCV000831687.6).